The following is an entry in ClinVar:

ClinVar aggregate classification (germline): Likely benign (1 of 4 stars; one submission).

gnomAD v4.1: 4 of 1,346,704 alleles (0.0003%); highest among the groups gnomAD compares: Non-Finnish European, 0.00038%; no homozygotes.

Submission:

CeGaT Center for Human Genetics Tuebingen
Classification: Likely benign. Last evaluated: 2026-01-01. Review status: criteria provided, single submitter. Criteria: CeGaT Center For Human Genetics Tuebingen Variant Classification Criteria Version 2. Collection method: clinical testing. Allele origin: germline. Affected: yes. Observed: 1 variant allele.
Comment: GRIN2D: BS2

NM_000836.4(GRIN2D):c.239C>T (p.Pro80Leu)

Gene: GRIN2D (glutamate ionotropic receptor NMDA type subunit 2D; plus strand). Cytogenetic location: 19q13.33.
Variant type: single nucleotide variant.
Coding change: c.239C>T on transcript NM_000836.4 (MANE Select); coding-DNA position 239, C replaced by T.
Protein change: p.Pro80Leu; replaces proline 80 with leucine.
Molecular consequence: missense variant.
Genome position (GRCh38, 1-based): chr19:48,398,631, C>T. VCF-style: chr19-48398631-C-T. GRCh37 (hg19) VCF-style: chr19-48901888-C-T.
Other names: short protein forms P80L.
Identifiers: ClinVar variation 4822413 (VCV004822413.4).